The following is an entry in ClinVar:

ClinVar aggregate classification (germline): Likely benign (0 of 4 stars; one submission).

Conditions:
PLCZ1-related disorder. Also called: PLCZ1-related condition.

Allele frequency attached by ClinVar (database versions not stated): gnomAD exomes 0.00021; ExAC 0.00079; 1000 Genomes Project 30x 0.00156; 1000 Genomes Project 0.00180; gnomAD 0.00234; TOPMed 0.00253; ESP Exome Variant Server 0.00285.
gnomAD v4.1: 686 of 1,612,002 alleles (0.043%); highest among the groups gnomAD compares: African/African-American, 0.83%; 2 homozygotes.

Submission:

PreventionGenetics, part of Exact Sciences
Classification: Likely benign for PLCZ1-related condition. Last evaluated: 2024-08-30. Review status: no assertion criteria provided. Collection method: clinical testing. Allele origin: germline.
Comment: This variant is classified as likely benign based on ACMG/AMP sequence variant interpretation guidelines (Richards et al. 2015 PMID: 25741868, with internal and published modifications).

NM_033123.4(PLCZ1):c.19T>C (p.Leu7=)

Gene: PLCZ1 (phospholipase C zeta 1; minus strand). Cytogenetic location: 12p12.3.
Variant type: single nucleotide variant.
Coding change: c.19T>C on transcript NM_033123.4 (MANE Select); coding-DNA position 19, T replaced by C.
Protein change: p.Leu7=; no amino-acid change (leucine 7 retained).
Molecular consequence: synonymous variant. On other transcripts: 5 prime UTR variant (1).
Genome position (GRCh38, 1-based): chr12:18,736,337, A>G on the plus strand (T>C on the coding strand, the complement: PLCZ1 is on the minus strand). VCF-style: chr12-18736337-A-G. GRCh37 (hg19) VCF-style: chr12-18889271-A-G.
Other names: c.19T>C, p.Leu7= (NM_001330769.1); c.-297T>C (NM_001330774.2).
Identifiers: ClinVar variation 3044054 (VCV003044054.2), dbSNP rs138423464, ClinGen allele CA6471628.